The following is an entry in ClinVar:

NM_015981.4(CAMK2A):c.1369A>G (p.Thr457Ala)

Gene: CAMK2A (calcium/calmodulin dependent protein kinase II alpha; minus strand). Cytogenetic location: 5q32.
Variant type: single nucleotide variant.
Coding change: c.1369A>G on transcript NM_015981.4 (MANE Select); coding-DNA position 1369, A replaced by G.
Protein change: p.Thr457Ala; replaces threonine 457 with alanine.
Molecular consequence: missense variant.
Genome position (GRCh38, 1-based): chr5:150,223,086, T>C on the plus strand (A>G on the coding strand, the complement: CAMK2A is on the minus strand). VCF-style: chr5-150223086-T-C. GRCh37 (hg19) VCF-style: chr5-149602649-T-C.
Other names: c.1369A>G, p.Thr457Ala (NM_001363989.1); c.1336A>G, p.Thr446Ala (NM_001363990.1, NM_001369025.2, NM_171825.3); short protein forms T446A, T457A.
Identifiers: ClinVar variation 3573813 (VCV003573813.1).

ClinVar aggregate classification (germline): Uncertain significance (1 of 4 stars; one submission).

gnomAD v4.1: 2 of 1,613,978 alleles (0.00012%); highest among the groups gnomAD compares: Non-Finnish European, 0.00017%; no homozygotes.

Submission:

GeneDx
Classification: Uncertain significance. Last evaluated: 2024-07-17. Review status: criteria provided, single submitter. Criteria: GeneDx Variant Classification Process June 2021. Collection method: clinical testing. Allele origin: germline. Affected: yes.
Comment: Not observed at significant frequency in large population cohorts (gnomAD); In silico analysis supports that this missense variant has a deleterious effect on protein structure/function; Has not been previously published as pathogenic or benign to our knowledge